The following is an entry in ClinVar:

NM_032043.3(BRIP1):c.1962C>A (p.Gly654=)

Gene: BRIP1 (BRCA1 interacting DNA helicase 1; minus strand). Cytogenetic location: 17q23.2.
Variant type: single nucleotide variant.
Coding change: c.1962C>A on transcript NM_032043.3 (MANE Select); coding-DNA position 1962, C replaced by A.
Protein change: p.Gly654=; no amino-acid change (glycine 654 retained).
Molecular consequence: synonymous variant.
Genome position (GRCh38, 1-based): chr17:61,776,536, G>T on the plus strand (C>A on the coding strand, the complement: BRIP1 is on the minus strand). VCF-style: chr17-61776536-G-T. GRCh37 (hg19) VCF-style: chr17-59853897-G-T.
Identifiers: ClinVar variation 231014 (VCV000231014.9), dbSNP rs786201877, ClinGen allele CA10580821.

ClinVar aggregate classification (germline): Benign/Likely benign. Review status: criteria provided, multiple submitters, no conflicts (2 of 4 stars). 4 submissions from 4 submitters: Benign (1); Likely benign (3). Last evaluated 2024-08-30.

Conditions:
Hereditary cancer-predisposing syndrome. Also called: Neoplastic Syndromes, Hereditary; Hereditary Cancer Syndrome; Tumor predisposition; Hereditary neoplastic syndrome. Identifiers: Orphanet 140162, MedGen C0027672, MeSH D009386, MONDO:0015356.
Familial cancer of breast. Also called: hereditary breast carcinoma; Hereditary breast cancer; BREAST CANCER, FAMILIAL. Identifiers: Orphanet 227535, MedGen C0346153, MONDO:0016419, OMIM 114480. Disease mechanism: loss of function.

gnomAD v4.1: 2 of 1,614,086 alleles (0.00012%); highest among the groups gnomAD compares: Non-Finnish European, 0.00017%; no homozygotes.

Submissions (4):

Myriad Genetics, Inc.
Classification: Benign for Familial cancer of breast. Last evaluated: 2024-08-30. Review status: criteria provided, single submitter. Criteria: Myriad Autosomal Dominant, Autosomal Recessive and X-Linked Classification Criteria (2023). Collection method: clinical testing. Allele origin: unknown.
Comment: This variant is considered benign. This variant is a silent/synonymous amino acid change and it is not expected to impact splicing.

Blueprint Genetics
Classification: Likely benign. Last evaluated: 2024-07-03. Review status: criteria provided, single submitter. Criteria: ACMG Guidelines, 2015. Collection method: clinical testing. Allele origin: germline.

Color Diagnostics, LLC DBA Color Health
Classification: Likely benign for Hereditary cancer-predisposing syndrome. Last evaluated: 2023-07-10. Review status: criteria provided, single submitter. Criteria: ACMG Guidelines, 2015. Collection method: clinical testing. Allele origin: germline.

Ambry Genetics
Classification: Likely benign for Hereditary cancer-predisposing syndrome. Last evaluated: 2015-03-25. Review status: criteria provided, single submitter. Criteria: Ambry Variant Classification Scheme 2023. Collection method: clinical testing. Allele origin: germline.